The following is an entry in ClinVar:

NM_020911.2(PLXNA4):c.1996G>A (p.Val666Met)

Gene: PLXNA4 (plexin A4; minus strand). Cytogenetic location: 7q32.3.
Variant type: single nucleotide variant.
Coding change: c.1996G>A on transcript NM_020911.2 (MANE Select); coding-DNA position 1996, G replaced by A.
Protein change: p.Val666Met; replaces valine 666 with methionine.
Molecular consequence: missense variant.
Genome position (GRCh38, 1-based): chr7:132,223,628, C>T on the plus strand (G>A on the coding strand, the complement: PLXNA4 is on the minus strand). VCF-style: chr7-132223628-C-T. GRCh37 (hg19) VCF-style: chr7-131908387-C-T.
Other names: c.1996G>A, p.Val666Met (NM_001393897.1); short protein forms V666M.
Identifiers: ClinVar variation 2404048 (VCV002404048.3), dbSNP rs186378769, ClinGen allele CA4489920.

ClinVar aggregate classification (germline): Uncertain significance. Review status: criteria provided, multiple submitters, no conflicts (2 of 4 stars). 2 submissions from 2 submitters: Uncertain significance (2). Last evaluated 2026-09-25.

Conditions:
PLXNA4-related disorder. Also called: PLXNA4-related condition.

Allele frequency attached by ClinVar (database versions not stated): gnomAD exomes 0.00007; ESP Exome Variant Server 0.00008; ExAC 0.00014; 1000 Genomes Project 30x 0.00016; 1000 Genomes Project 0.00020.
gnomAD v4.1: 123 of 1,613,236 alleles (0.0076%); highest among the groups gnomAD compares: Admixed American, 0.012%; no homozygotes.

Submissions (2):

PreventionGenetics, part of Exact Sciences
Classification: Uncertain significance for PLXNA4-related condition. Last evaluated: 2026-09-25. Review status: criteria provided, single submitter. Criteria: ACMG Guidelines, 2015. Collection method: clinical testing. Allele origin: germline.
Comment: The PLXNA4 c.1996G>A variant is predicted to result in the amino acid substitution p.Val666Met. This variant was previously identified in a cohort of individuals undergoing bariatric surgery (Loid et al. 2025. PubMed ID: 39743445). This variant has also been reported in a patient with Parkinson’s disease; however, no evidence was provided to support its pathogenicity (Table S2 - Schulte et al. 2013. PubMed ID: 24244438). Additionally, this variant is reported in 0.028% of alleles in individuals of European (Finnish) descent in gnomAD, which is likely too frequent to be a primary cause of disease. At this time, the clinical significance of this variant is uncertain due to the absence of conclusive functional and genetic evidence.

Ambry Genetics
Classification: Uncertain significance. Last evaluated: 2021-10-21. Review status: criteria provided, single submitter. Criteria: Ambry Variant Classification Scheme 2023. Collection method: clinical testing. Allele origin: germline.